The following is an entry in ClinVar:

ClinVar aggregate classification (germline): Conflicting classifications of pathogenicity. Review status: criteria provided, conflicting classifications (1 of 4 stars). 3 submissions from 3 submitters: Uncertain significance (2); Likely benign (1). Last evaluated 2026-01-08.

Conditions:
Melnick-Fraser syndrome (BOR). Also called: Branchiootorenal Syndrome (BORS); Branchio-oto-renal syndrome; Branchiootorenal syndrome. Identifiers: Orphanet 107, MedGen C0265234, MONDO:0007029.
Branchiootorenal syndrome 1. Also called: Branchio-Oto-Renal Syndrome 1. Identifiers: Orphanet 107, MedGen C4551702, MONDO:0007236, OMIM 113650.

Allele frequency attached by ClinVar (database versions not stated): gnomAD 0.00001; gnomAD exomes 0.00001 and 0.00002; TOPMed 0.00001; ExAC 0.00002.
gnomAD v4.1: 20 of 1,614,242 alleles (0.0012%); highest among the groups gnomAD compares: Middle Eastern, 0.16%; no homozygotes.

Submissions (3):

Labcorp Genetics (formerly Invitae), Labcorp
Classification: Uncertain significance for Melnick-Fraser syndrome. Last evaluated: 2026-01-08. Review status: criteria provided, single submitter. Criteria: Invitae Variant Classification Sherloc (09022015). Collection method: clinical testing. Allele origin: germline.
Comment: This sequence change replaces phenylalanine, which is neutral and non-polar, with leucine, which is neutral and non-polar, at codon 114 of the EYA1 protein (p.Phe114Leu). This variant is present in population databases (rs772521196, gnomAD 0.003%). This variant has not been reported in the literature in individuals affected with EYA1-related conditions. ClinVar contains an entry for this variant (Variation ID: 942519). Invitae Evidence Modeling of protein sequence and biophysical properties (such as structural, functional, and spatial information, amino acid conservation, physicochemical variation, residue mobility, and thermodynamic stability) has been performed for this missense variant. However, the output from this modeling did not meet the statistical confidence thresholds required to predict the impact of this variant on EYA1 protein function. In summary, the available evidence is currently insufficient to determine the role of this variant in disease. Therefore, it has been classified as a Variant of Uncertain Significance.

Laboratory of Prof. Karen Avraham, Tel Aviv University
Classification: Uncertain significance for Branchiootorenal syndrome 1. Last evaluated: 2024-12-25. Review status: criteria provided, single submitter. Criteria: ACMG Guidelines, 2015. Collection method: research. Allele origin: germline. Affected: yes. Observed: 1 variant allele.
Comment: The EYA1 c.340T>C:p.(Phe114Leu) heterozygous variant is extremely rare and predicted deleterious.

Blueprint Genetics
Classification: Likely benign. Last evaluated: 2022-01-17. Review status: criteria provided, single submitter. Criteria: ACMG Guidelines, 2015. Collection method: clinical testing. Allele origin: germline.

NM_000503.6(EYA1):c.340T>C (p.Phe114Leu)

Gene: EYA1 (EYA transcriptional coactivator and phosphatase 1; minus strand). Cytogenetic location: 8q13.3.
Variant type: single nucleotide variant.
Coding change: c.340T>C on transcript NM_000503.6 (MANE Select); coding-DNA position 340, T replaced by C.
Protein change: p.Phe114Leu; replaces phenylalanine 114 with leucine.
Molecular consequence: missense variant. On other transcripts: 5 prime UTR variant (1).
Genome position (GRCh38, 1-based): chr8:71,321,812, A>G on the plus strand (T>C on the coding strand, the complement: EYA1 is on the minus strand). VCF-style: chr8-71321812-A-G. GRCh37 (hg19) VCF-style: chr8-72234047-A-G.
Other names: BOR1; c.337T>C, p.Phe113Leu (NM_001288574.2); c.-12T>C (NM_001288575.2); c.427T>C, p.Phe143Leu (NM_001370333.1, NM_172059.5); c.340T>C, p.Phe114Leu (NM_001370334.1, NM_001370335.1, NM_172058.4); c.424T>C, p.Phe142Leu (NM_001370336.1); short protein forms F113L, F114L, F142L, F143L.
Identifiers: ClinVar variation 942519 (VCV000942519.5), dbSNP rs772521196, ClinGen allele CA4779806.
Genomic context (GRCh38, chr8:71,321,812, plus strand): 5'-ACGGCTGTCCTGGCTGTGGGTACGTGGCATAGGCTGTAGCTTGTTGCATTCCTGTGGTAA[A>G]CTGTGTTTGCCCATATGCAGCCATAGTTTGTGAGGAAGGGGTAGGGAGAATATGTGGGTA-3'
Protein context (NP_000494.2, residues 104-124): QTMAAYGQTQ[Phe114Leu]TTGMQQATAY